The following is an entry in ClinVar:

NM_182641.4(BPTF):c.4137A>G (p.Ile1379Met)

Gene: BPTF (bromodomain PHD finger transcription factor; plus strand). Cytogenetic location: 17q24.2.
Variant type: single nucleotide variant.
Coding change: c.4137A>G on transcript NM_182641.4 (MANE Select); coding-DNA position 4137, A replaced by G.
Protein change: p.Ile1379Met; replaces isoleucine 1379 with methionine.
Molecular consequence: missense variant.
Genome position (GRCh38, 1-based): chr17:67,912,021, A>G. VCF-style: chr17-67912021-A-G. GRCh37 (hg19) VCF-style: chr17-65908137-A-G.
Other names: c.4515A>G, p.Ile1505Met (NM_004459.7); short protein forms I1379M, I1505M.
Identifiers: ClinVar variation 2648134 (VCV002648134.24), dbSNP rs2511477215, ClinGen allele CA400728859.
Genomic context (GRCh38, chr17:67,912,021, plus strand): 5'-AAAACCAAGTCAGCAGAAGAAATTAGAGGAGAGACCAGTTAATAAATGTAGTGATCAAAT[A>G]AAGCTAAAAAATACCACTGACAAAAAGAATAATGAAAATCGAGAGTCTGAAAAGAAAGGA-3'
Protein context (NP_872579.2, residues 1369-1389): ERPVNKCSDQ[Ile1379Met]KLKNTTDKKN

ClinVar aggregate classification (germline): Uncertain significance (1 of 4 stars; one submission).

Submission:

CeGaT Center for Human Genetics Tuebingen
Classification: Uncertain significance. Last evaluated: 2022-05-01. Review status: criteria provided, single submitter. Criteria: CeGaT Center For Human Genetics Tuebingen Variant Classification Criteria Version 2. Collection method: clinical testing. Allele origin: germline. Affected: yes. Observed: 1 variant allele.
Comment: BPTF: PM2, BP4